The following is an entry in ClinVar:

NM_000261.2(MYOC):c.526del (p.Glu176fs)

Gene: MYOC (myocilin; minus strand). Cytogenetic location: 1q24.3.
Variant type: Deletion.
Coding change: c.526del on transcript NM_000261.2 (MANE Select); coding-DNA position 526, one base deleted (G; older notation c.526delG).
Protein change: p.Glu176fs; shifts the reading frame from glutamic acid 176.
Molecular consequence: frameshift variant.
Genome position (GRCh38, 1-based): chr1:171,652,086, C deleted on the plus strand (G on the coding strand, the reverse complement: MYOC is on the minus strand); the first of 2 consecutive C bases (chr1:171,652,086-171,652,087); deleting either gives the same sequence. VCF-style (leftmost placement, unchanged base first): chr1-171652085-TC-T. GRCh37 (hg19) VCF-style: chr1-171621225-TC-T.
Other names: NM_000261.2:c.526del; short protein forms E176fs.
Identifiers: ClinVar variation 1698724 (VCV001698724.4), dbSNP rs779307074, ClinGen allele CA1244262.

ClinVar aggregate classification (germline): Uncertain significance. Review status: reviewed by expert panel (3 of 4 stars). 2 submissions from 2 submitters: Uncertain significance (1). 1 of the submissions does not count toward it. Last evaluated 2025-11-12.

Conditions:
Open-angle glaucoma. Identifiers: MedGen C0017612, MONDO:0005338, HP:0012108.
Glaucoma 1, open angle, A (GLC1A). Also called: Glaucoma, Dominant (Juvenile Onset). Identifiers: Orphanet 98977, MedGen C1842028, MONDO:0007664, OMIM 137750.

Submissions (2):

ClinGen Glaucoma Variant Curation Expert Panel
Classification: Uncertain significance for Open-angle glaucoma. Last evaluated: 2025-11-12. Review status: reviewed by expert panel. Criteria: ClinGen Glaucoma ACMG Specifications V2.0.0 Approved. Collection method: curation. Allele origin: germline. Inheritance: Autosomal dominant inheritance.
Comment: The c.526del variant in MYOC is a deletion of a single nucleotide, predicted to encode a frameshift with consequent premature termination of the protein at codon 2 of the frameshift, or amino acid 178 (p.Glu176ArgfsTer2). Truncation of this protein occurs outside of the conserved olfactomedin domain, which did not meet PM4. PVS1 did not apply, as the disease mechanism for MYOC variants associated with primary open angle glaucoma is not loss-of-function. The highest minor allele frequency of this variant was in the European (non-Finnish) genetic ancestry group of gnomAD (v4.1.0) = 0.00003051 (36 alleles out of 1,180,028), which met the ≤ 0.0001 threshold set for PM2_Supporting in a genetic ancestry group of at least 10,000 alleles. There was no computational or functional evidence predicting a damaging or benign impact of this variant on MYOC function. Only 1 proband with primary open angle glaucoma had been reported (Souzeau et al, pers. comm.), not meeting the ≥ 2 probands threshold required to meet PS4_Supporting. In summary, this variant met the criteria to receive a score of 1 and to be classified as a variant of uncertain significance (uncertain significance classification range -1 to 5, adapted from PMID: 32720330) for primary open angle glaucoma based on the ACMG/AMP criteria met, as specified by the ClinGen Glaucoma VCEP (v2.0.0, 5 Dec 2024): PM2_Supporting.

Genetics and Molecular Pathology, SA Pathology
Classification: Uncertain significance for Glaucoma 1, open angle, A. Last evaluated: 2021-01-21. Review status: criteria provided, single submitter. Criteria: ACMG Guidelines, 2015. Collection method: clinical testing. Allele origin: germline. Inheritance: Autosomal dominant inheritance. Affected: yes. Not counted in ClinVar's aggregate classification.
Comment: The MYOC c.526delG variant is classified as VUS as Haploinsufficiency is not a confirmed disease mechanism for this gene (Kim et al., 2001 PMID:11604506) (PVS1 not applied).

Literature cited by the submitters: PubMed 11604506 (cited by Genetics and Molecular Pathology, SA Pathology).